The following is an entry in ClinVar:

ClinVar aggregate classification (germline): Uncertain significance (1 of 4 stars; one submission).

Conditions:
Familial cold autoinflammatory syndrome 3 (FCAS3). Also called: ANTIBODY DEFICIENCY AND IMMUNE DYSREGULATION, PLCG2-ASSOCIATED; FAMILIAL ATYPICAL COLD URTICARIA. Identifiers: Orphanet 300359, MedGen C3280914, MONDO:0013766, OMIM 614468.

Allele frequency attached by ClinVar (database versions not stated): ExAC 0.00003; 1000 Genomes Project 30x 0.00016; 1000 Genomes Project 0.00020.
gnomAD v4.1: 17 of 1,604,576 alleles (0.0011%); highest among the groups gnomAD compares: South Asian, 0.0056%; no homozygotes.

Submission:

Labcorp Genetics (formerly Invitae), Labcorp
Classification: Uncertain significance for Familial cold autoinflammatory syndrome 3. Last evaluated: 2024-12-23. Review status: criteria provided, single submitter. Criteria: Invitae Variant Classification Sherloc (09022015). Collection method: clinical testing. Allele origin: germline.
Comment: This sequence change replaces arginine, which is basic and polar, with cysteine, which is neutral and slightly polar, at codon 266 of the PLCG2 protein (p.Arg266Cys). The frequency data for this variant in the population databases is considered unreliable, as metrics indicate poor data quality at this position in the gnomAD database. This variant has not been reported in the literature in individuals affected with PLCG2-related conditions. ClinVar contains an entry for this variant (Variation ID: 2887355). An algorithm developed to predict the effect of missense changes on protein structure and function (PolyPhen-2) suggests that this variant is likely to be disruptive. In summary, the available evidence is currently insufficient to determine the role of this variant in disease. Therefore, it has been classified as a Variant of Uncertain Significance.

NM_002661.5(PLCG2):c.796C>T (p.Arg266Cys)

Gene: PLCG2 (phospholipase C gamma 2; plus strand). Cytogenetic location: 16q23.3.
Variant type: single nucleotide variant.
Coding change: c.796C>T on transcript NM_002661.5 (MANE Select); coding-DNA position 796, C replaced by T.
Protein change: p.Arg266Cys; replaces arginine 266 with cysteine.
Molecular consequence: missense variant.
Genome position (GRCh38, 1-based): chr16:81,889,202, C>T. VCF-style: chr16-81889202-C-T. GRCh37 (hg19) VCF-style: chr16-81922807-C-T.
Other names: c.796C>T, p.Arg266Cys (NM_001425749.1, NM_001425750.1, NM_001425751.1); short protein forms R266C.
Identifiers: ClinVar variation 2887355 (VCV002887355.3), dbSNP rs530712899, ClinGen allele CA8193457.